The following is an entry in ClinVar:

ClinVar aggregate classification (germline): Likely benign (1 of 4 stars; one submission).

Conditions:
Hyperglycinuria. Also called: GLYCINURIA WITH OR WITHOUT OXALATE NEPHROLITHIASIS; GLYCINURIA WITH OR WITHOUT OXALATE UROLITHIASIS; IMINOGLYCINURIA TYPE II. Identifiers: MedGen C0543541, MONDO:0007677, OMIM 138500, HP:0003108.

Allele frequency attached by ClinVar (database versions not stated): gnomAD 0.00116 and 0.00229; TOPMed 0.00194; 1000 Genomes Project 30x 0.01390; 1000 Genomes Project 0.01538.

Submission:

Illumina Laboratory Services, Illumina
Classification: Likely benign for Hyperglycinuria. Last evaluated: 2018-01-13. Review status: criteria provided, single submitter. Criteria: ICSL Variant Classification Criteria 13 December 2019. Collection method: clinical testing. Allele origin: germline.
Comment: This variant was observed in the ICSL laboratory as part of a predisposition screen in an ostensibly healthy population. It had not been previously curated by ICSL or reported in the Human Gene Mutation Database (HGMD: prior to June 1st, 2018), and was therefore a candidate for classification through an automated scoring system. Utilizing variant allele frequency, disease prevalence and penetrance estimates, and inheritance mode, an automated score was calculated to assess if this variant is too frequent to cause the disease. Based on the score and internal cut-off values, a variant classified as likely benign is not then subjected to further curation. The score for this variant resulted in a classification of likely benign for this disease.

NM_020208.4(SLC6A20):c.*1629C>T

Gene: SLC6A20 (solute carrier family 6 member 20; minus strand). Cytogenetic location: 3p21.31.
Variant type: single nucleotide variant.
Coding change: c.*1629C>T on transcript NM_020208.4 (MANE Select); 1629 bases downstream of the stop codon, C replaced by T.
Molecular consequence: 3 prime UTR variant.
Genome position (GRCh38, 1-based): chr3:45,757,349, G>A on the plus strand (C>T on the coding strand, the complement: SLC6A20 is on the minus strand). VCF-style: chr3-45757349-G-A. GRCh37 (hg19) VCF-style: chr3-45798841-G-A.
Other names: c.*1629C>T (NM_022405.4).
Identifiers: ClinVar variation 345367 (VCV000345367.5), dbSNP rs139410525, ClinGen allele CA10618599.